The following is an entry in ClinVar:

ClinVar aggregate classification (germline): Benign/Likely benign. Review status: criteria provided, multiple submitters, no conflicts (2 of 4 stars). 4 submissions from 4 submitters: Benign (1); Likely benign (3). Last evaluated 2025-09-03.

Conditions:
Hereditary cancer-predisposing syndrome. Also called: Hereditary Cancer Syndrome; Tumor predisposition; Neoplastic Syndromes, Hereditary; Hereditary neoplastic syndrome. Identifiers: Orphanet 140162, MedGen C0027672, MeSH D009386, MONDO:0015356.
Chuvash polycythemia. Also called: POLYCYTHEMIA, VHL-DEPENDENT. Identifiers: Orphanet 238557, MedGen C1837915, MONDO:0009892, OMIM 263400.
Von Hippel-Lindau syndrome (VHLS). Also called: Von Hippel-Lindau; von Hippel–Lindau syndrome; VHL syndrome. Identifiers: Orphanet 892, MedGen C0019562, MONDO:0008667, OMIM 193300. Disease mechanism: loss of function.

Allele frequency attached by ClinVar (database versions not stated): gnomAD exomes 0.00001.
gnomAD v4.1: 4 of 1,613,948 alleles (0.00025%); highest among the groups gnomAD compares: East Asian, 0.0022%; no homozygotes.

Submissions (4):

Labcorp Genetics (formerly Invitae), Labcorp
Classification: Likely benign for Von Hippel-Lindau syndrome; Chuvash polycythemia. Last evaluated: 2025-09-03. Review status: criteria provided, single submitter. Criteria: Invitae Variant Classification Sherloc (09022015). Collection method: clinical testing. Allele origin: germline.

Myriad Genetics, Inc.
Classification: Benign for Von Hippel-Lindau syndrome. Last evaluated: 2025-06-13. Review status: criteria provided, single submitter. Criteria: Myriad Autosomal Dominant, Autosomal Recessive and X-Linked Classification Criteria (2023). Collection method: clinical testing. Allele origin: unknown.
Comment: This variant is considered benign. This variant is a silent/synonymous amino acid change and it is not expected to impact splicing.

Ambry Genetics
Classification: Likely benign for Hereditary cancer-predisposing syndrome. Last evaluated: 2019-01-08. Review status: criteria provided, single submitter. Criteria: Ambry Variant Classification Scheme 2023. Collection method: clinical testing. Allele origin: germline.

GeneDx
Classification: Likely benign. Last evaluated: 2018-10-04. Review status: criteria provided, single submitter. Criteria: GeneDx Variant Classification Process June 2021. Collection method: clinical testing. Allele origin: germline. Affected: yes.

NM_000551.4(VHL):c.627A>G (p.Gln209=)

Genes: VHL (von Hippel-Lindau tumor suppressor; plus strand), LOC107303340 (3p25 von Hippel-Lindau tumor suppressor, E3 ubiquitin protein ligase Alu-mediated recombination region; plus strand). Cytogenetic location: 3p25.3.
Variant type: single nucleotide variant.
Coding change: c.627A>G on transcript NM_000551.4 (MANE Select); coding-DNA position 627, A replaced by G.
Protein change: p.Gln209=; no amino-acid change (glutamine 209 retained).
Molecular consequence: synonymous variant. On other transcripts: 3 prime UTR variant (1).
Genome position (GRCh38, 1-based): chr3:10,149,950, A>G. VCF-style: chr3-10149950-A-G. GRCh37 (hg19) VCF-style: chr3-10191634-A-G.
Other names: c.*181A>G (NM_001354723.2); c.504A>G, p.Gln168= (NM_198156.3).
Identifiers: ClinVar variation 511835 (VCV000511835.17), dbSNP rs758494789, ClinGen allele CA70052691.